The following is an entry in ClinVar:

ClinVar aggregate classification (germline): Uncertain significance (1 of 4 stars; one submission).

Conditions:
Autosomal dominant limb-girdle muscular dystrophy type 1G (LGMDD3). Also called: Limb-girdle muscular dystrophy, type 1G; MUSCULAR DYSTROPHY, LIMB-GIRDLE, AUTOSOMAL DOMINANT 3. Identifiers: Orphanet 55596, MedGen C1836765, MONDO:0012193, OMIM 609115.

Submission:

Labcorp Genetics (formerly Invitae), Labcorp
Classification: Uncertain significance for Autosomal dominant limb-girdle muscular dystrophy type 1G. Last evaluated: 2022-03-27. Review status: criteria provided, single submitter. Criteria: Invitae Variant Classification Sherloc (09022015). Collection method: clinical testing. Allele origin: germline.
Comment: This variant, c.961_963del, results in the deletion of 1 amino acid(s) of the HNRNPDL protein (p.Gln321del), but otherwise preserves the integrity of the reading frame. This variant is present in population databases (rs755637495, gnomAD 0.0009%). This variant has not been reported in the literature in individuals affected with HNRNPDL-related conditions. Experimental studies and prediction algorithms are not available or were not evaluated, and the functional significance of this variant is currently unknown. In summary, the available evidence is currently insufficient to determine the role of this variant in disease. Therefore, it has been classified as a Variant of Uncertain Significance.

NM_031372.4(HNRNPDL):c.955CAA[2] (p.Gln321del)

Gene: HNRNPDL (heterogeneous nuclear ribonucleoprotein D like; minus strand). Cytogenetic location: 4q21.22.
Variant type: Microsatellite.
Coding change: c.955CAA[2] on transcript NM_031372.4 (MANE Select); two copies in a row of the 3-base unit CAA starting at c.955; the reference has three copies in a row; one copy, 3 bases deleted.
Protein change: p.Gln321del; deletes glutamine 321.
Molecular consequence: inframe deletion. On other transcripts: non-coding transcript variant (1).
Genome position (GRCh38, 1-based): chr4:82,427,248-82,427,250, TTG deleted on the plus strand (CAA on the coding strand, the reverse complement: HNRNPDL is on the minus strand); deleting any 3 consecutive bases within chr4:82,427,248-82,427,256 gives the same sequence; the position shown is the placement nearest the transcript's 3' end. VCF-style (leftmost placement, unchanged base first): chr4-82427247-TTTG-T. GRCh37 (hg19) VCF-style: chr4-83348400-TTTG-T.
Other names: c.955CAA[2], p.Gln321del (NM_001207000.1); short protein forms Q321del.
Identifiers: ClinVar variation 2118093 (VCV002118093.4), dbSNP rs755637495, ClinGen allele CA2984819.